The following is an entry in ClinVar:

NM_000531.6(OTC):c.76C>T (p.Arg26Trp)

Gene: OTC (ornithine transcarbamylase; plus strand). Cytogenetic location: Xp11.4.
Variant type: single nucleotide variant.
Coding change: c.76C>T on transcript NM_000531.6 (MANE Select); coding-DNA position 76, C replaced by T.
Protein change: p.Arg26Trp; replaces arginine 26 with tryptophan.
Molecular consequence: missense variant.
Genome position (GRCh38, 1-based): chrX:38,352,772, C>T. VCF-style: chrX-38352772-C-T. GRCh37 (hg19) VCF-style: chrX-38212025-C-T.
Other names: NM_000531.6(OTC):c.76C>T; p.Arg26Trp; short protein forms R26W.
Identifiers: ClinVar variation 368257 (VCV000368257.19), dbSNP rs1057515879, ClinGen allele CA10653910.

ClinVar aggregate classification (germline): Benign. Review status: reviewed by expert panel (3 of 4 stars). 11 submissions from 11 submitters: Benign (1). 10 of the submissions do not count toward it. Last evaluated 2026-09-15.

Conditions:
Ornithine carbamoyltransferase deficiency (OTCD). Also called: OTC DEFICIENCY; ORNITHINE TRANSCARBAMYLASE DEFICIENCY; ORNITHINE TRANSCARBAMYLASE DEFICIENCY, HYPERAMMONEMIA DUE TO; Ornithine Carbamoyltransferase Deficiency Disease. Identifiers: Orphanet 664, MedGen C0268542, MONDO:0010703, OMIM 311250.

Allele frequency attached by ClinVar (database versions not stated): gnomAD 0.00002 and 0.00003; gnomAD exomes 0.00002; TOPMed 0.00005.
gnomAD v4.1: 31 of 1,187,958 alleles (0.0026%); highest among the groups gnomAD compares: Middle Eastern, 0.093%; no homozygotes.

Submissions (11):

Clingen Urea Cycle Disorders Variant Curation Expert Panel, ClinGen
Classification: Benign for Ornithine carbamoyltransferase deficiency. Last evaluated: 2026-09-15. Review status: reviewed by expert panel. Criteria: ClinGen UreaCycles ACMG Specifications OTC V1.0. Collection method: curation. Allele origin: germline. Inheritance: X-linked inheritance.
Comment: The NM_000531.6:c.76C>T variant in OTC is a missense variant predicted to cause substitution of arginine by tryptophan at amino acid 26 (p.Arg26Trp). This variant has not been reported in the literature in individuals affected with OTC deficiency. There are 11 hemizygotes total in gnomAD v4.1.0 which is higher than the ClinGen OTC VCEP threshold (>10 male hemizygotes) for BA1 and therefore meets this criterion. The computational predictor REVEL gives a score of 0.371, which is neither above nor below the thresholds predicting a damaging or benign impact on OTC function. There is no predicted impact on splicing by SpliceAI and varSEAK (PP3 and BP4 are not met). In summary, this variant meets the criteria to be classified as Benign for X-linked ornithine carbamoyltransferase deficiency. ACMG/AMP criteria met, as specified by the ClinGen Urea Cycle Disorders VCEP (OTC specifications version 1.0.0): BA1 (-8 points)

Labcorp Genetics (formerly Invitae), Labcorp
Classification: Uncertain significance for Ornithine carbamoyltransferase deficiency. Last evaluated: 2024-06-15. Review status: criteria provided, single submitter. Criteria: Invitae Variant Classification Sherloc (09022015). Collection method: clinical testing. Allele origin: germline. Not counted in ClinVar's aggregate classification.
Comment: This sequence change replaces arginine, which is basic and polar, with tryptophan, which is neutral and slightly polar, at codon 26 of the OTC protein (p.Arg26Trp). This variant is present in population databases (no rsID available, gnomAD 0.009%). This missense change has been observed in individual(s) with a positive newborn screening result for OTC-related disease (Invitae). ClinVar contains an entry for this variant (Variation ID: 368257). Algorithms developed to predict the effect of missense changes on protein structure and function output the following: SIFT: "Not Available"; PolyPhen-2: "Benign"; Align-GVGD: "Not Available". The tryptophan amino acid residue is found in multiple mammalian species, which suggests that this missense change does not adversely affect protein function. In summary, the available evidence is currently insufficient to determine the role of this variant in disease. Therefore, it has been classified as a Variant of Uncertain Significance.

Color Diagnostics, LLC DBA Color Health
Classification: Uncertain significance for Ornithine carbamoyltransferase deficiency. Last evaluated: 2024-06-11. Review status: criteria provided, single submitter. Criteria: ACMG Guidelines, 2015. Collection method: clinical testing. Allele origin: germline. Not counted in ClinVar's aggregate classification.
Comment: This missense variant replaces arginine with tryptophan at codon 26 of the OTC protein. Computational prediction suggests that this variant may not impact protein structure and function. To our knowledge, functional studies have not been reported for this variant. This variant has not been reported in individuals affected with OTC-related disorders in the literature. This variant has been identified in 1/21996 chromosomes in the general population by the Genome Aggregation Database (gnomAD). The available evidence is insufficient to determine the role of this variant in disease conclusively. Therefore, this variant is classified as a Variant of Uncertain Significance.

Genome-Nilou Lab
Classification: Uncertain significance for Ornithine carbamoyltransferase deficiency. Last evaluated: 2021-11-07. Review status: criteria provided, single submitter. Criteria: ACMG Guidelines, 2015. Collection method: clinical testing. Allele origin: germline. Affected: no. Not counted in ClinVar's aggregate classification.

Pars Genome Lab
Classification: Uncertain significance for Ornithine carbamoyltransferase deficiency. Last evaluated: 2021-05-18. Review status: criteria provided, single submitter. Criteria: ACMG Guidelines, 2015. Collection method: clinical testing. Allele origin: germline. Affected: no. Not counted in ClinVar's aggregate classification.

Genomic Research Center, Shahid Beheshti University of Medical Sciences
Classification: Uncertain significance for Ornithine carbamoyltransferase deficiency. Last evaluated: 2020-05-03. Review status: criteria provided, single submitter. Criteria: ACMG Guidelines, 2015. Collection method: clinical testing. Allele origin: unknown. Affected: yes. Not counted in ClinVar's aggregate classification.

Illumina Laboratory Services, Illumina
Classification: Uncertain significance for Ornithine carbamoyltransferase deficiency. Last evaluated: 2018-01-13. Review status: criteria provided, single submitter. Criteria: ICSL Variant Classification Criteria 13 December 2019. Collection method: clinical testing. Allele origin: germline. Not counted in ClinVar's aggregate classification.

Women's Health and Genetics/Laboratory Corporation of America, LabCorp
Classification: Uncertain significance. Last evaluated: 2016-12-09. Review status: criteria provided, single submitter. Criteria: LabCorp Variant Classification Summary - May 2015. Collection method: clinical testing. Allele origin: germline. Not counted in ClinVar's aggregate classification.
Comment: Variant summary: The OTC c.76C>T (p.Arg26Trp) variant involves the alteration of a non-conserved nucleotide. This variant is located within the carbamoyl-P binding domain. 3/5 in silico tools predict a benign outcome for this variant, however this particular alteration has yet to be functionally assessed. . This variant is absent from control population dataset of ExAC. The variant was identified in a pt undergoing WES due to clinical presentations nonspecific and unrelated to ornithine transcabamylase deficiency, although, pt did report episodes of memory loss. Another alteration of the same codon, p.R26Q has been reported in several affected individuals with biochemically confirmed OTC-deficiency. The variant of interest has not, to our knowledge, been reported in affected individuals via publications, but was cited as VUS by a reputable database/clinical diagnostic laboratory. The p.R26W may represent either a late-onset mild mutation or rare functional variant. At this point, there is no sufficient evidence to classify c.76C>T with confidence. Taken together, this variant is classified as VUS.

Natera, Inc.
Classification: Uncertain significance for Ornithine transcarbamylase deficiency. Last evaluated: 2020-09-16. Review status: no assertion criteria provided. Collection method: clinical testing. Allele origin: germline. Not counted in ClinVar's aggregate classification.

Clinical Genetics DNA and cytogenetics Diagnostics Lab, Erasmus MC, Erasmus Medical Center
Classification: Likely benign. Review status: no assertion criteria provided. Collection method: clinical testing. Allele origin: germline. Affected: yes. Study: VKGL Data-share Consensus. Not counted in ClinVar's aggregate classification.

Laboratory of Diagnostic Genome Analysis, Leiden University Medical Center (LUMC)
Classification: Likely benign. Review status: no assertion criteria provided. Collection method: clinical testing. Allele origin: germline. Affected: yes. Study: VKGL Data-share Consensus. Not counted in ClinVar's aggregate classification.